The following is an entry in ClinVar:

ClinVar aggregate classification (germline): Uncertain significance (1 of 4 stars; one submission).

Conditions:
Neurodevelopmental disorder and structural brain anomalies with or without seizures and spasticity. Identifiers: MedGen C5394423, MONDO:0030046, OMIM 618890.

Submission:

3billion
Classification: Uncertain significance for Neurodevelopmental disorder and structural brain anomalies with or without seizures and spasticity. Last evaluated: 2022-01-03. Review status: criteria provided, single submitter. Criteria: ACMG Guidelines, 2015. Collection method: clinical testing. Allele origin: germline. Affected: yes. Observed: 1 heterozygote.
Comment: The variant is not observed in the gnomAD v2.1.1 dataset (PM2_M). A missense variant is a common mechanism associated with Neurodevelopmental disorder and structural brain anomalies with or without seizures and spasticity (PP2_P). Therefore, this variant is classified as uncertain significance according to the recommendation of ACMG/AMP guideline.

NM_015466.4(PTPN23):c.4886C>G (p.Pro1629Arg)

Gene: PTPN23 (protein tyrosine phosphatase non-receptor type 23; plus strand). Cytogenetic location: 3p21.31.
Variant type: single nucleotide variant.
Coding change: c.4886C>G on transcript NM_015466.4 (MANE Select); coding-DNA position 4886, C replaced by G.
Protein change: p.Pro1629Arg; replaces proline 1629 with arginine.
Molecular consequence: missense variant.
Genome position (GRCh38, 1-based): chr3:47,413,160, C>G. VCF-style: chr3-47413160-C-G. GRCh37 (hg19) VCF-style: chr3-47454650-C-G.
Other names: c.4508C>G, p.Pro1503Arg (NM_001304482.2); short protein forms P1503R, P1629R.
Identifiers: ClinVar variation 1333464 (VCV001333464.1), dbSNP rs1705372721, ClinGen allele CA352569532.